The following is an entry in ClinVar:

ClinVar aggregate classification (germline): Likely pathogenic (1 of 4 stars; one submission).

Conditions:
Hypertrophic cardiomyopathy 26. Also called: Cardiomyopathy, familial hypertrophic, 26. Identifiers: Orphanet 75249, MedGen C4310749, MONDO:0014883, OMIM 617047.

Submission:

CGC Genetics, Unilabs
Classification: Likely pathogenic for Hypertrophic cardiomyopathy 26. Last evaluated: 2025-07-21. Review status: criteria provided, single submitter. Criteria: ACMG Guidelines, 2015. Collection method: clinical testing. Allele origin: germline. Inheritance: Autosomal dominant inheritance. Affected: yes. Observed: 1 variant allele.
Comment: The NM_001458.5:c.2806C>T p.(Gln936*) variant, identified in heterozygosity in the FLNC gene (chr7), has not been previously reported in the literature or in the databases gnomAD and ClinVar. This is a nonsense variant located in exon 18 of the gene (which comprises 48 exons) and is predicted to introduce a premature stop codon. This is expected to lead to a truncated protein and/or reduced gene expression due to nonsense-mediated mRNA decay. Based on currently available evidence, this variant should be classified as likely pathogenic.

NM_001458.5(FLNC):c.2806C>T (p.Gln936Ter)

Gene: FLNC (filamin C; plus strand). Cytogenetic location: 7q32.1.
Variant type: single nucleotide variant.
Coding change: c.2806C>T on transcript NM_001458.5 (MANE Select); coding-DNA position 2806, C replaced by T.
Protein change: p.Gln936Ter; replaces glutamine 936 with a stop codon.
Molecular consequence: nonsense.
Genome position (GRCh38, 1-based): chr7:128,843,572, C>T. VCF-style: chr7-128843572-C-T. GRCh37 (hg19) VCF-style: chr7-128483626-C-T.
Other names: c.2806C>T, p.Gln936Ter (NM_001127487.2); short protein forms Q936*.
Identifiers: ClinVar variation 4851569 (VCV004851569.1).